The following is an entry in ClinVar:

ClinVar aggregate classification (germline): Conflicting classifications of pathogenicity. Review status: criteria provided, conflicting classifications (1 of 4 stars). 2 submissions from 2 submitters: Pathogenic (1); Uncertain significance (1). Last evaluated 2026-06-09.

Submissions (2):

GeneDx
Classification: Pathogenic. Last evaluated: 2026-06-09. Review status: criteria provided, single submitter. Criteria: GeneDx Variant Classification Process June 2021. Collection method: clinical testing. Allele origin: germline.
Comment: Frameshift variant predicted to result in protein truncation, as the last 711 amino acids are replaced with 2 different amino acids, and other loss-of-function variants have been reported downstream in HGMD; Not observed at significant frequency in large population cohorts (gnomAD); Has not been previously published as pathogenic or benign to our knowledge

Genomic Diagnostic Laboratory, Division of Genomic Diagnostics, Children's Hospital of Philadelphia
Classification: Uncertain significance. Last evaluated: 2015-11-06. Review status: criteria provided, single submitter. Criteria: DGD Variant Analysis Guidelines. Collection method: clinical testing. Allele origin: unknown.

NM_015021.3(ZNF292):c.6038_6039del (p.Glu2013fs)

Gene: ZNF292 (zinc finger protein 292; plus strand). Cytogenetic location: 6q14.3.
Variant type: Microsatellite.
Coding change: c.6038_6039del on transcript NM_015021.3 (MANE Select); coding-DNA positions 6038 to 6039, 2 bases deleted (AG; older notation c.6038_6039delAG).
Protein change: p.Glu2013fs; shifts the reading frame from glutamic acid 2013.
Molecular consequence: frameshift variant.
Genome position (GRCh38, 1-based): chr6:87,259,667-87,259,668, AG deleted; deleting any 2 consecutive bases within chr6:87,259,665-87,259,668 gives the same sequence; the c. name uses the placement nearest the transcript's 3' end. VCF-style (leftmost placement, unchanged base first): chr6-87259664-CAG-C. GRCh37 (hg19) VCF-style: chr6-87969382-CAG-C.
Other names: c.5618_5619del, p.Glu1873fs (NM_001351444.2); c.6038_6039delAG (NM_015021.1); c.6038_6039del (NM_015021.1); short protein forms E2013fs, E1873fs.
Identifiers: ClinVar variation 252688 (VCV000252688.4), dbSNP rs879255403, ClinGen allele CA10585994.